The following is an entry in ClinVar:

ClinVar aggregate classification (germline): Likely benign. Review status: criteria provided, multiple submitters, no conflicts (2 of 4 stars). 2 submissions from 2 submitters: Likely benign (2). Last evaluated 2025-04-24.

Conditions:
LAMA2-related muscular dystrophy (LAMA2-RD). Also called: Laminin alpha 2-related dystrophy. Identifiers: MedGen C5679788, MONDO:0100228.

Allele frequency attached by ClinVar (database versions not stated): gnomAD 0.00001; TOPMed 0.00003.
gnomAD v4.1: 1 of 1,604,568 alleles (0.000062%); highest among the groups gnomAD compares: African/African-American, 0.0013%; no homozygotes.

Submissions (2):

Women's Health and Genetics/Laboratory Corporation of America, LabCorp
Classification: Likely benign. Last evaluated: 2025-04-24. Review status: criteria provided, single submitter. Criteria: LabCorp Variant Classification Summary - May 2015. Collection method: clinical testing. Allele origin: germline.
Comment: Variant summary: LAMA2 c.9211+7G>T alters a nucleotide located at a position not widely known to affect splicing. Consensus agreement among computation tools predict no significant impact on normal splicing. However, these predictions have yet to be confirmed by functional studies. The variant allele was found at a frequency of 6.6e-06 in 152202 control chromosomes (gnomAD v4). The available data on variant occurrences in the general population are insufficient to allow any conclusion about variant significance. To our knowledge, no occurrence of c.9211+7G>T in individuals affected with Laminin Alpha 2-Related Dystrophy and no experimental evidence demonstrating its impact on protein function have been reported. ClinVar contains an entry for this variant (Variation ID: 2171465). Based on the evidence outlined above, the variant was classified as likely benign.

Labcorp Genetics (formerly Invitae), Labcorp
Classification: Likely benign for LAMA2-related muscular dystrophy. Last evaluated: 2023-07-25. Review status: criteria provided, single submitter. Criteria: Invitae Variant Classification Sherloc (09022015). Collection method: clinical testing. Allele origin: germline.

NM_000426.4(LAMA2):c.9211+7G>T

Gene: LAMA2 (laminin subunit alpha 2; plus strand). Cytogenetic location: 6q22.33.
Variant type: single nucleotide variant.
Coding change: c.9211+7G>T on transcript NM_000426.4 (MANE Select); 7 bases into the intron after coding-DNA position 9211, G replaced by T.
Molecular consequence: intron variant.
Genome position (GRCh38, 1-based): chr6:129,514,602, G>T. VCF-style: chr6-129514602-G-T. GRCh37 (hg19) VCF-style: chr6-129835747-G-T.
Other names: c.9199+7G>T (NM_001079823.2).
Identifiers: ClinVar variation 2171465 (VCV002171465.8), dbSNP rs1285519693, ClinGen allele CA818867002.